The following is an entry in ClinVar:

ClinVar aggregate classification (germline): Uncertain significance (1 of 4 stars; one submission).

Conditions:
Hereditary cancer-predisposing syndrome. Also called: Tumor predisposition; Neoplastic Syndromes, Hereditary; Hereditary Cancer Syndrome; Hereditary neoplastic syndrome. Identifiers: Orphanet 140162, MedGen C0027672, MeSH D009386, MONDO:0015356.

Submission:

Ambry Genetics
Classification: Uncertain significance for Hereditary cancer-predisposing syndrome. Last evaluated: 2024-12-29. Review status: criteria provided, single submitter. Criteria: Ambry Variant Classification Scheme 2023. Collection method: clinical testing. Allele origin: germline.
Comment: The p.G896E variant (also known as c.2687G>A), located in coding exon 11 of the MET gene, results from a G to A substitution at nucleotide position 2687. The glycine at codon 896 is replaced by glutamic acid, an amino acid with similar properties. This amino acid position is conserved. In addition, this alteration is predicted to be deleterious by in silico analysis. Based on the available evidence, the clinical significance of this variant remains unclear.

NM_000245.4(MET):c.2633G>A (p.Gly878Glu)

Gene: MET (MET proto-oncogene, receptor tyrosine kinase; plus strand). Cytogenetic location: 7q31.2.
Variant type: single nucleotide variant.
Coding change: c.2633G>A on transcript NM_000245.4 (MANE Select); coding-DNA position 2633, G replaced by A.
Protein change: p.Gly878Glu; replaces glycine 878 with glutamic acid.
Molecular consequence: missense variant.
Genome position (GRCh38, 1-based): chr7:116,769,694, G>A. VCF-style: chr7-116769694-G-A. GRCh37 (hg19) VCF-style: chr7-116409748-G-A.
Other names: c.2687G>A, p.Gly896Glu (NM_001127500.3); c.2633G>A, p.Gly878Glu (NM_001324401.3); c.1343G>A, p.Gly448Glu (NM_001324402.2); short protein forms G896E, G878E, G448E.
Identifiers: ClinVar variation 3872358 (VCV003872358.1).
Genomic context (GRCh38, chr7:116,769,694, plus strand): 5'-TTTCCTTTCAGGGAAATGATATTGACCCTGAAGCAGTTAAAGGTGAAGTGTTAAAAGTTG[G>A]AAATAAGAGCTGTGAGAATATACACTTACATTCTGAAGCCGTTTTATGCACGGTCCCCAA-3'
Protein context (NP_000236.2, residues 868-888): EAVKGEVLKV[Gly878Glu]NKSCENIHLH